The following is an entry in ClinVar:

NM_001291303.3(FAT4):c.134C>A (p.Pro45Gln)

Gene: FAT4 (FAT atypical cadherin 4; plus strand). Cytogenetic location: 4q28.1.
Variant type: single nucleotide variant.
Coding change: c.134C>A on transcript NM_001291303.3 (MANE Select); coding-DNA position 134, C replaced by A.
Protein change: p.Pro45Gln; replaces proline 45 with glutamine.
Molecular consequence: missense variant.
Genome position (GRCh38, 1-based): chr4:125,316,545, C>A. VCF-style: chr4-125316545-C-A. GRCh37 (hg19) VCF-style: chr4-126237700-C-A.
Other names: c.134C>A, p.Pro45Gln (NM_001291285.3, NM_024582.6); c.134C>A (NM_024582.4); short protein forms P45Q.
Identifiers: ClinVar variation 2880560 (VCV002880560.2), dbSNP rs766959653, ClinGen allele CA3071750.
Genomic context (GRCh38, chr4:125,316,545, plus strand): 5'-TTCGAGTGTTTTGGCTACTGTCATTGCTTCCGGGGCAGGCCTGGGTCCACGGGGCCGAGC[C>A]GCGCCAGGTGTTCCAAGTGCTGGAAGAGCAACCTCCAGGCACTCTGGTAGGCACCATCCA-3'
Protein context (NP_001278232.1, residues 35-55): PGQAWVHGAE[Pro45Gln]RQVFQVLEEQ

ClinVar aggregate classification (germline): Conflicting classifications of pathogenicity. Review status: criteria provided, conflicting classifications (1 of 4 stars). 2 submissions from 2 submitters: Uncertain significance (1); Likely benign (1). Last evaluated 2025-11-03.

Conditions:
Inborn genetic diseases. Identifiers: MedGen C0950123, MeSH D030342.

Allele frequency attached by ClinVar (database versions not stated): TOPMed below 0.00001.
gnomAD v4.1: 26 of 1,614,050 alleles (0.0016%); highest among the groups gnomAD compares: South Asian, 0.015%; no homozygotes.

Submissions (2):

Ambry Genetics
Classification: Likely benign for Inborn genetic diseases. Last evaluated: 2025-11-03. Review status: criteria provided, single submitter. Criteria: Ambry Variant Classification Scheme 2023. Collection method: clinical testing. Allele origin: germline.

Labcorp Genetics (formerly Invitae), Labcorp
Classification: Uncertain significance. Last evaluated: 2023-02-24. Review status: criteria provided, single submitter. Criteria: Invitae Variant Classification Sherloc (09022015). Collection method: clinical testing. Allele origin: germline.
Comment: In summary, the available evidence is currently insufficient to determine the role of this variant in disease. Therefore, it has been classified as a Variant of Uncertain Significance. Advanced modeling of protein sequence and biophysical properties (such as structural, functional, and spatial information, amino acid conservation, physicochemical variation, residue mobility, and thermodynamic stability) performed at Invitae indicates that this missense variant is not expected to disrupt FAT4 protein function. This variant has not been reported in the literature in individuals affected with FAT4-related conditions. This variant is present in population databases (rs766959653, gnomAD 0.02%). This sequence change replaces proline, which is neutral and non-polar, with glutamine, which is neutral and polar, at codon 45 of the FAT4 protein (p.Pro45Gln).